The following is an entry in ClinVar:

NM_007294.3:c.548_4185del

Gene: BRCA1 (BRCA1 DNA repair associated; minus strand).
Variant type: Deletion.
Identifiers: ClinVar variation 1809528 (VCV001809528.1).

ClinVar aggregate classification (germline): Pathogenic (1 of 4 stars; one submission).

Submission:

Quest Diagnostics Nichols Institute San Juan Capistrano
Classification: Pathogenic. Last evaluated: 2019-06-26. Review status: criteria provided, single submitter. Criteria: Quest Diagnostics criteria. Collection method: clinical testing. Allele origin: unknown.
Comment: A deletion of exons 8-11 (legacy exons 9-12) in the BRCA1 gene is predicted to disrupt the translation reading frame of the BRCA1 mRNA and cause the premature termination of BRCA1 protein synthesis. In the published literature, the variant has been commonly reported in Hispanic breast cancer patients and is a founder variant in the Mexican population (PMID: 22544547 (2012), 23233716 (2013), 24522996 (2014), 24764757 (2014), 25236687 (2015)). Based on the available information, this variant is classified as pathogenic.

Literature cited by the submitters: PubMed 24522996; PubMed 25236687; PubMed 24764757; PubMed 23233716; PubMed 17646271; PubMed 22544547; PubMed 15863656; PubMed 24742220; PubMed 20427382; PubMed 21637503; PubMed 19333752.